The following is an entry in ClinVar:

ClinVar aggregate classification (germline): Uncertain significance (1 of 4 stars; one submission).

Conditions:
Hereditary cancer-predisposing syndrome. Also called: Tumor predisposition; Hereditary Cancer Syndrome; Hereditary neoplastic syndrome; Neoplastic Syndromes, Hereditary. Identifiers: Orphanet 140162, MedGen C0027672, MeSH D009386, MONDO:0015356.

gnomAD v4.1: 1 of 1,612,488 alleles (0.000062%); highest among the groups gnomAD compares: Non-Finnish European, 0.000085%; no homozygotes.

Submission:

Ambry Genetics
Classification: Uncertain significance for Hereditary cancer-predisposing syndrome. Last evaluated: 2025-11-11. Review status: criteria provided, single submitter. Criteria: Ambry Variant Classification Scheme 2023. Collection method: clinical testing. Allele origin: germline.
Comment: The p.L161V variant (also known as c.481C>G), located in coding exon 4 of the RB1 gene, results from a C to G substitution at nucleotide position 481. The leucine at codon 161 is replaced by valine, an amino acid with highly similar properties. This amino acid position is conserved. In addition, the in silico prediction for this alteration is inconclusive. Based on the available evidence, the clinical significance of this variant remains unclear.

NM_000321.3(RB1):c.481C>G (p.Leu161Val)

Gene: RB1 (RB transcriptional corepressor 1; plus strand). Cytogenetic location: 13q14.2.
Variant type: single nucleotide variant.
Coding change: c.481C>G on transcript NM_000321.3 (MANE Select); coding-DNA position 481, C replaced by G.
Protein change: p.Leu161Val; replaces leucine 161 with valine.
Molecular consequence: missense variant.
Genome position (GRCh38, 1-based): chr13:48,345,180, C>G. VCF-style: chr13-48345180-C-G. GRCh37 (hg19) VCF-style: chr13-48919316-C-G.
Other names: c.481C>G, p.Leu161Val (NM_001407165.1, NM_001407166.1); short protein forms L161V.
Identifiers: ClinVar variation 4544230 (VCV004544230.1).